The following is an entry in ClinVar:

ClinVar aggregate classification (germline): Uncertain significance (1 of 4 stars; one submission).

Conditions:
Cardiovascular phenotype. Identifiers: MedGen CN230736.

gnomAD v4.1: 2 of 1,614,188 alleles (0.00012%); highest among the groups gnomAD compares: African/African-American, 0.0013%; no homozygotes.

Submission:

Ambry Genetics
Classification: Uncertain significance for Cardiovascular phenotype. Last evaluated: 2025-05-27. Review status: criteria provided, single submitter. Criteria: Ambry Variant Classification Scheme 2023. Collection method: clinical testing. Allele origin: germline.
Comment: The p.S1618L variant (also known as c.4853C>T), located in coding exon 26 of the APOB gene, results from a C to T substitution at nucleotide position 4853. The serine at codon 1618 is replaced by leucine, an amino acid with dissimilar properties. This amino acid position is conserved. In addition, this alteration is predicted to be tolerated by in silico analysis. Based on the available evidence, the clinical significance of this variant remains unclear.

NM_000384.3(APOB):c.4853C>T (p.Ser1618Leu)

Gene: APOB (apolipoprotein B; minus strand). Cytogenetic location: 2p24.1.
Variant type: single nucleotide variant.
Coding change: c.4853C>T on transcript NM_000384.3 (MANE Select); coding-DNA position 4853, C replaced by T.
Protein change: p.Ser1618Leu; replaces serine 1618 with leucine.
Molecular consequence: missense variant.
Genome position (GRCh38, 1-based): chr2:21,012,015, G>A on the plus strand (C>T on the coding strand, the complement: APOB is on the minus strand). VCF-style: chr2-21012015-G-A. GRCh37 (hg19) VCF-style: chr2-21234887-G-A.
Other names: short protein forms S1618L.
Identifiers: ClinVar variation 3933262 (VCV003933262.1).